The following is an entry in ClinVar:

NM_005629.4(SLC6A8):c.507G>A (p.Trp169Ter)

Gene: SLC6A8 (solute carrier family 6 member 8; plus strand). Cytogenetic location: Xq28.
Variant type: single nucleotide variant.
Coding change: c.507G>A on transcript NM_005629.4 (MANE Select); coding-DNA position 507, G replaced by A.
Protein change: p.Trp169Ter; replaces tryptophan 169 with a stop codon.
Molecular consequence: nonsense.
Genome position (GRCh38, 1-based): chrX:153,691,416, G>A. VCF-style: chrX-153691416-G-A. GRCh37 (hg19) VCF-style: chrX-152956871-G-A.
Other names: NM_001142805.2:c.507G>A; c.507G>A, p.Trp169Ter (NM_001142805.2); c.162G>A, p.Trp54Ter (NM_001142806.1); c.507G>A (NM_005629.3); short protein forms W169*, W54*.
Identifiers: ClinVar variation 2583099 (VCV002583099.4), dbSNP rs2522156087, ClinGen allele CA415078874.

ClinVar aggregate classification (germline): Pathogenic. Review status: reviewed by expert panel (3 of 4 stars). 2 submissions from 2 submitters: Pathogenic (1). 1 of the submissions does not count toward it. Last evaluated 2026-08-10.

Conditions:
Creatine transporter deficiency (CCDS1). Also called: Mental retardation , X-linked with seizures, short stature and midface hypoplasia; Mental retardation , X-linked, with creatine transport deficiency; X-linked creatine transporter deficiency; X-linked creatine deficiency syndrome; SLC6A8-Related Creatine Transporter Deficiency; CREATINE TRANSPORTER DEFECT. Identifiers: Orphanet 52503, MedGen C1845862, MONDO:0010305, OMIM 300352.

Submissions (2):

ClinGen Cerebral Creatine Deficiency Syndromes Variant Curation Expert Panel, ClinGen
Classification: Pathogenic for Creatine transporter deficiency. Last evaluated: 2026-08-10. Review status: reviewed by expert panel. Criteria: ClinGen CCDS ACMG Specifications SLC6A8 V2.1. Collection method: curation. Allele origin: germline. Inheritance: X-linked inheritance.
Comment: The NM_005629.4:c.507G>A p.(Trp169Ter) variant in SLC6A8 is a nonsense variant predicted to cause a premature stop codon in biologically relevant exon 3/13, and is predicted to lead to nonsense mediated decay in a gene in which loss-of-function is an established disease mechanism (PVS1). This variant is absent in gnomAD v4.1.0. (PM2_Supporting). In summary, this variant meets the criteria to be classified as Pathogenic for Creatine Transporter Deficiency based on the SLC6A8-specific ACMG/AMP criteria applied, as specified by the ClinGen Cerebral Creatine Deficiency Syndromes Variant Curation Expert Panel (Specifications Version 2.1.0): PVS1, PP4_Strong, PM2_Supporting. (Classification approved by the ClinGen Cerebral Creatine Deficiency Syndromes Variant Curation Expert Panel on August 10, 2026)

GeneDx
Classification: Pathogenic. Last evaluated: 2024-12-03. Review status: criteria provided, single submitter. Criteria: GeneDx Variant Classification Process June 2021. Collection method: clinical testing. Allele origin: germline. Affected: yes. Not counted in ClinVar's aggregate classification.
Comment: Nonsense variant predicted to result in protein truncation or nonsense mediated decay in a gene for which loss of function is a known mechanism of disease; Not observed at significant frequency in large population cohorts (gnomAD); This variant is associated with the following publications: (PMID: 33334757, 34974949)